The following is an entry in ClinVar:

NM_138477.4(CDAN1):c.2140C>T (p.Arg714Trp)

Gene: CDAN1 (codanin 1; minus strand). Cytogenetic location: 15q15.2.
Variant type: single nucleotide variant.
Coding change: c.2140C>T on transcript NM_138477.4 (MANE Select); coding-DNA position 2140, C replaced by T.
Protein change: p.Arg714Trp; replaces arginine 714 with tryptophan.
Molecular consequence: missense variant.
Genome position (GRCh38, 1-based): chr15:42,730,632, G>A on the plus strand (C>T on the coding strand, the complement: CDAN1 is on the minus strand). VCF-style: chr15-42730632-G-A. GRCh37 (hg19) VCF-style: chr15-43022830-G-A.
Other names: c.2140C>T, p.Arg714Trp (LRG_1164t1); short protein forms R714W.
Identifiers: ClinVar variation 21748 (VCV000021748.20), dbSNP rs80338696, ClinGen allele CA342448.

ClinVar aggregate classification (germline): Pathogenic/Likely pathogenic. Review status: criteria provided, multiple submitters, no conflicts (2 of 4 stars). 6 submissions from 6 submitters: Pathogenic (3); Likely pathogenic (3). Last evaluated 2024-09-25.

Conditions:
Anemia, congenital dyserythropoietic, type 1a (CDAN1A). Also called: DYSERYTHROPOIETIC ANEMIA, CONGENITAL, TYPE Ia; CDAN1-Related Congenital Dyserythropoietic Anemia. Identifiers: MedGen C5574667, MONDO:0009135, OMIM 224120.
Congenital dyserythropoietic anemia, type I. Also called: Dyserythropoietic anemia, congenital type 1. Identifiers: Orphanet 98869, MedGen C0271933, MONDO:0020337. Disease mechanism: loss of function.

Allele frequency attached by ClinVar (database versions not stated): gnomAD 0.00001; ExAC 0.00004; 1000 Genomes Project 0.00040; gnomAD exomes 0.00002 and 0.00008; 1000 Genomes Project 30x 0.00047; TOPMed 0.00004.

Submissions (6):

Women's Health and Genetics/Laboratory Corporation of America, LabCorp
Classification: Pathogenic for Congenital dyserythropoietic anemia, type I. Last evaluated: 2024-09-25. Review status: criteria provided, single submitter. Criteria: LabCorp Variant Classification Summary - May 2015. Collection method: clinical testing. Allele origin: germline.
Comment: Variant summary: CDAN1 c.2140C>T (p.Arg714Trp) results in a non-conservative amino acid change in the encoded protein sequence. Five of five in-silico tools predict a damaging effect of the variant on protein function. The variant allele was found at a frequency of 7.6e-05 in 251018 control chromosomes (gnomAD). c.2140C>T has been reported in the literature in multiple individuals affected with Congenital dyserythropoietic anemia, type I (e.g. Dgany_2002, Chin_2018, Wang_2018, Lv_2019, Lin_2020, Wang_2021). These data indicate that the variant is very likely to be associated with disease. At least one publication reports experimental evidence evaluating an impact on protein function, finding that the variant is defective in Asf1 regulation (Ask_2012). The following publications have been ascertained in the context of this evaluation (PMID: 12434312, 22407294, 29668551, 29031773, 31760486, 32160409, 35012925). ClinVar contains an entry for this variant (Variation ID: 21748). Based on the evidence outlined above, the variant was classified as pathogenic.

Labcorp Genetics (formerly Invitae), Labcorp
Classification: Pathogenic. Last evaluated: 2024-07-08. Review status: criteria provided, single submitter. Criteria: Invitae Variant Classification Sherloc (09022015). Collection method: clinical testing. Allele origin: germline.
Comment: This sequence change replaces arginine, which is basic and polar, with tryptophan, which is neutral and slightly polar, at codon 714 of the CDAN1 protein (p.Arg714Trp). This variant is present in population databases (rs80338696, gnomAD 0.05%). This missense change has been observed in individual(s) with congenital dyserythropoietic anemia type 1 (PMID: 12434312, 29031773, 29668551, 29901818, 32160409). In at least one individual the data is consistent with being in trans (on the opposite chromosome) from a pathogenic variant. This variant is also known as 2254C>T (R712W). ClinVar contains an entry for this variant (Variation ID: 21748). An algorithm developed to predict the effect of missense changes on protein structure and function (PolyPhen-2) suggests that this variant is likely to be disruptive. Experimental studies have shown that this missense change affects CDAN1 function (PMID: 22407294). For these reasons, this variant has been classified as Pathogenic.

Revvity Omics, Revvity
Classification: Pathogenic for Anemia, congenital dyserythropoietic, type 1a. Last evaluated: 2023-12-08. Review status: criteria provided, single submitter. Criteria: ACMG Guidelines, 2015. Collection method: clinical testing. Allele origin: germline.

Mayo Clinic Laboratories, Mayo Clinic
Classification: Likely pathogenic. Last evaluated: 2020-01-08. Review status: criteria provided, single submitter. Criteria: ACMG Guidelines, 2015. Collection method: clinical testing. Allele origin: germline. Observed: 1 variant allele.
Comment: PS3, PS4_Moderate, PM2

Illumina Laboratory Services, Illumina
Classification: Likely pathogenic for Anemia, congenital dyserythropoietic, type 1a. Last evaluated: 2017-09-06. Review status: criteria provided, single submitter. Criteria: ICSL Variant Classification Criteria 09 May 2019. Collection method: clinical testing. Allele origin: germline.
Comment: The CDAN1 c.2140C>T (p.Arg714Trp) missense variant has been reported in at least three studies in which it is found in a total of two patients with congenital dyserythropoietic anemia (CDA) in a compound heterozygous state (Dgany et al. 2002; Ru et al. 2008). The p.Arg714Trp variant was reported in one of 82 controls in a heterozygous state and is reported at a frequency of 0.00052 in the East Asian population of the Genome Aggregation Database. Functional data from Ask et al. (2012) suggests p.Arg714Trp alters protein function. Using an immunoprecipitation assay and cell localization nuclear staining assay, Ask et al. (2012) showed that the p.Arg714Trp variant impairs binding to a CDAN1 cofactor and inhibits sequestration of the cofactor in the cytoplasm. Further, a complementation assay showed the p.Arg714Trp variant is unable to rescue CDAN1 depletion. Based on the evidence, the p.Arg714Trp variant is classified as likely pathogenic for congenital dyserythropoietic anemia. This variant was observed by ICSL as part of a predisposition screen in an ostensibly healthy population.

Juno Genomics, Hangzhou Juno Genomics, Inc
Classification: Likely pathogenic for Anemia, congenital dyserythropoietic, type 1a. Review status: criteria provided, single submitter. Criteria: ACMG Guidelines, 2015. Collection method: clinical testing. Allele origin: germline. Affected: yes.
Comment: Absent from controls (or at extremely low frequency if recessive) in Genome Aggregation Database, Exome Sequencing Project, 1000 Genomes Project, or Exome Aggregation Consortium.;Multiple lines of computational evidence support a deleterious effect on the gene or gene product (conservation, evolutionary, splicing impact, etc).;For recessive disorders, detected in trans with a pathogenic variant.

Literature cited by the submitters: PubMed 29031773 (cited by 3 submitters); PubMed 22407294 (cited by 4 submitters); PubMed 29668551 (cited by Women's Health and Genetics/Laboratory Corporation of America, LabCorp and Labcorp Genetics (formerly Invitae), Labcorp); PubMed 12434312 (cited by 4 submitters); PubMed 32160409 (cited by Women's Health and Genetics/Laboratory Corporation of America, LabCorp and Labcorp Genetics (formerly Invitae), Labcorp); PubMed 31760486 (cited by Women's Health and Genetics/Laboratory Corporation of America, LabCorp); PubMed 35012925 (cited by Women's Health and Genetics/Laboratory Corporation of America, LabCorp); PubMed 29901818 (cited by Labcorp Genetics (formerly Invitae), Labcorp); PubMed 30487145 (cited by Mayo Clinic Laboratories, Mayo Clinic); PubMed 18575862 (cited by Illumina Laboratory Services, Illumina).